The following is an entry in ClinVar:

ClinVar aggregate classification (germline): Uncertain significance (1 of 4 stars; one submission).

Submission:

Labcorp Genetics (formerly Invitae), Labcorp
Classification: Uncertain significance. Last evaluated: 2023-12-15. Review status: criteria provided, single submitter. Criteria: Invitae Variant Classification Sherloc (09022015). Collection method: clinical testing. Allele origin: germline.
Comment: This variant, c.345_371dup, results in the insertion of 9 amino acid(s) of the FOXI3 protein (p.Ala116_Ala124dup), but otherwise preserves the integrity of the reading frame. This variant is not present in population databases (gnomAD no frequency). This variant has not been reported in the literature in individuals affected with FOXI3-related conditions. In summary, the available evidence is currently insufficient to determine the role of this variant in disease. Therefore, it has been classified as a Variant of Uncertain Significance.

NM_001135649.3(FOXI3):c.345_371dup (p.Ala124_Gly125insAlaProAlaSerProAlaAlaProAla)

Gene: FOXI3 (forkhead box I3; minus strand). Cytogenetic location: 2p11.2.
Variant type: Duplication.
Coding change: c.345_371dup on transcript NM_001135649.3 (MANE Select); coding-DNA positions 345 to 371, 27 bases duplicated (CGCGCCCGCCTCGCCCGCCGCGCCCGC).
Protein change: p.Ala124_Gly125insAlaProAlaSerProAlaAlaProAla.
Molecular consequence: inframe insertion.
Genome position (GRCh38, 1-based): chr2:88,452,165-88,452,191, GCGGGCGCGGCGGGCGAGGCGGGCGCG duplicated on the plus strand (CGCGCCCGCCTCGCCCGCCGCGCCCGC on the coding strand, the reverse complement: FOXI3 is on the minus strand); duplicating any 27 consecutive bases within chr2:88,452,165-88,452,201 gives the same sequence; the c. name uses the placement nearest the transcript's 3' end. VCF-style (leftmost placement, unchanged base first): chr2-88452164-C-CGCGGGCGCGGCGGGCGAGGCGGGCGCG. GRCh37 (hg19) VCF-style: chr2-88751683-C-CGCGGGCGCGGCGGGCGAGGCGGGCGCG.
Identifiers: ClinVar variation 3018582 (VCV003018582.3), dbSNP rs1367437493, ClinGen allele CA2660009669.